The following is an entry in ClinVar:

ClinVar aggregate classification (germline): Uncertain significance (1 of 4 stars; one submission).

Submission:

GeneDx
Classification: Uncertain significance. Last evaluated: 2020-01-09. Review status: criteria provided, single submitter. Criteria: GeneDx Variant Classification Process June 2021. Collection method: clinical testing. Allele origin: germline. Affected: yes.
Comment: Not observed in large population cohorts (Lek et al., 2016); In silico analysis, which includes protein predictors and evolutionary conservation, supports that this variant does not alter protein structure/function; Has not been previously published as pathogenic or benign to our knowledge

NM_002860.4(ALDH18A1):c.2095A>G (p.Ile699Val)

Gene: ALDH18A1 (aldehyde dehydrogenase 18 family member A1; minus strand). Cytogenetic location: 10q24.1.
Variant type: single nucleotide variant.
Coding change: c.2095A>G on transcript NM_002860.4 (MANE Select); coding-DNA position 2095, A replaced by G.
Protein change: p.Ile699Val; replaces isoleucine 699 with valine.
Molecular consequence: missense variant.
Genome position (GRCh38, 1-based): chr10:95,611,271, T>C on the plus strand (A>G on the coding strand, the complement: ALDH18A1 is on the minus strand). VCF-style: chr10-95611271-T-C. GRCh37 (hg19) VCF-style: chr10-97371028-T-C.
Other names: c.2089A>G, p.Ile697Val (NM_001017423.2, NM_001323415.2); c.1762A>G, p.Ile588Val (NM_001323412.2, NM_001323416.2); c.2095A>G, p.Ile699Val (NM_001323413.2, NM_001323414.2); c.1990A>G, p.Ile664Val (NM_001323417.2); c.1756A>G, p.Ile586Val (NM_001323418.2); c.1459A>G, p.Ile487Val (NM_001323419.2); short protein forms I699V, I588V, I664V, I697V, I586V, I487V.
Identifiers: ClinVar variation 430001 (VCV000430001.3), dbSNP rs1131691722, ClinGen allele CA377699812.
Genomic context (GRCh38, chr10:95,611,271, plus strand): 5'-GCAGCAAAGGCAGACACTGTATGCGGGAAGCATCTGGACACTGACCGTCCTCTGTGACGA[T>C]GACATCCGTGTGGGAGCTGCCATACTTGTGGATGTGGTCAATGGCATCCTGAACGTTGTC-3'
Protein context (NP_002851.2, residues 689-709): HKYGSSHTDV[Ile699Val]VTEDENTAEF